The following is an entry in ClinVar:

NM_000260.4(MYO7A):c.2371C>T (p.Arg791Cys)

Gene: MYO7A (myosin VIIA; plus strand). Cytogenetic location: 11q13.5.
Variant type: single nucleotide variant.
Coding change: c.2371C>T on transcript NM_000260.4 (MANE Select); coding-DNA position 2371, C replaced by T.
Protein change: p.Arg791Cys; replaces arginine 791 with cysteine.
Molecular consequence: missense variant.
Genome position (GRCh38, 1-based): chr11:77,179,738, C>T. VCF-style: chr11-77179738-C-T. GRCh37 (hg19) VCF-style: chr11-76890784-C-T.
Other names: c.2371C>T, p.Arg791Cys (NM_001127180.2); c.2338C>T, p.Arg780Cys (NM_001369365.1); short protein forms R780C, R791C.
Identifiers: ClinVar variation 991223 (VCV000991223.11), dbSNP rs782165016, ClinGen allele CA6197830.

ClinVar aggregate classification (germline): Conflicting classifications of pathogenicity. Review status: criteria provided, conflicting classifications (1 of 4 stars). 7 submissions from 7 submitters: Likely pathogenic (1); Uncertain significance (5). 1 of the submissions does not count toward it. Last evaluated 2025-06-27.

Conditions:
Autosomal dominant nonsyndromic hearing loss 11. Identifiers: Orphanet 90635, MedGen C1832475, MONDO:0011032, OMIM 601317.
Inborn genetic diseases. Identifiers: MedGen C0950123, MeSH D030342.
Nonsyndromic genetic hearing loss. Also called: Nonsyndromic hearing loss and deafness; Non-syndromic genetic deafness; Nonsyndromic genetic deafness. Identifiers: Orphanet 87884, MedGen C5680182, MONDO:0019497.
Usher syndrome type 1B (USH1B). Also called: Usher syndrome type IB. Identifiers: MedGen C1848638, MONDO:0700087.

Allele frequency attached by ClinVar (database versions not stated): TOPMed 0.00002; gnomAD exomes 0.00003; ExAC 0.00010; gnomAD 0.00002.
gnomAD v4.1: 60 of 1,539,998 alleles (0.0039%); highest among the groups gnomAD compares: Middle Eastern, 0.068%; no homozygotes.

Submissions (7):

Labcorp Genetics (formerly Invitae), Labcorp
Classification: Uncertain significance. Last evaluated: 2025-06-27. Review status: criteria provided, single submitter. Criteria: Invitae Variant Classification Sherloc (09022015). Collection method: clinical testing. Allele origin: germline.
Comment: This sequence change replaces arginine, which is basic and polar, with cysteine, which is neutral and slightly polar, at codon 791 of the MYO7A protein (p.Arg791Cys). The frequency data for this variant in the population databases is considered unreliable, as metrics indicate poor data quality at this position in the gnomAD database. This variant has not been reported in the literature in individuals affected with MYO7A-related conditions. ClinVar contains an entry for this variant (Variation ID: 991223). Invitae Evidence Modeling of protein sequence and biophysical properties (such as structural, functional, and spatial information, amino acid conservation, physicochemical variation, residue mobility, and thermodynamic stability) has been performed for this missense variant. However, the output from this modeling did not meet the statistical confidence thresholds required to predict the impact of this variant on MYO7A protein function. In summary, the available evidence is currently insufficient to determine the role of this variant in disease. Therefore, it has been classified as a Variant of Uncertain Significance.

Blueprint Genetics
Classification: Uncertain significance. Last evaluated: 2024-08-21. Review status: criteria provided, single submitter. Criteria: ACMG Guidelines, 2015. Collection method: clinical testing. Allele origin: germline.

Laboratory of Prof. Karen Avraham, Tel Aviv University
Classification: Likely pathogenic for Autosomal dominant nonsyndromic hearing loss 11. Last evaluated: 2024-06-04. Review status: criteria provided, single submitter. Criteria: ACMG Guidelines, 2015. Collection method: research. Allele origin: germline. Affected: yes. Observed: 2 variant alleles.
Comment: The variant is very rare and predicted to be deleterious by most prediction programs. It is present in two probands with the same type of HL. There are other missense mutations in the same exon.

DFNA11; high-tone normal-to-severe HL

Ambry Genetics
Classification: Uncertain significance for Inborn genetic diseases. Last evaluated: 2023-02-27. Review status: criteria provided, single submitter. Criteria: Ambry Variant Classification Scheme 2023. Collection method: clinical testing. Allele origin: germline.

Victorian Clinical Genetics Services, Murdoch Childrens Research Institute
Classification: Uncertain significance for Nonsyndromic genetic hearing loss. Last evaluated: 2020-10-19. Review status: criteria provided, single submitter. Criteria: ACMG Guidelines, 2015. Collection method: clinical testing. Allele origin: germline. Affected: yes.
Comment: Based on the classification scheme VCGS_Germline_v1.3.3, this variant is classified as 3B-VUS. Following criteria are met: 0102 - Loss of function is a known mechanism of disease in this gene and is associated with MYO7A-related deafness. (I) 0108 - This gene is associated with both recessive and dominant disease. Only missense variants have been reported for autosomal dominant deafness, and there is currently no genotype-phenotype correlation (OMIM). (I) 0200 - Variant is predicted to result in a missense amino acid change from arginine to cysteine. (I) 0251 - This variant is heterozygous. (I) 0302 - Variant is present in gnomAD (v2) <0.001 for a dominant condition (6 heterozygotes, 0 homozygotes). (SP) 0309 - An alternative amino acid change at the same position has been observed in gnomAD (v3) (7 heterozygotes, 0 homozygotes). (I) 0502 - Missense variant with conflicting in silico predictions and uninformative conservation. (I) 0600 - Variant is located in the annotated IQ 3 domain (PDB). (I) 0710 - Another missense variant comparable to the one identified in this case has inconclusive previous evidence for pathogenicity. An alternative amino acid change at the same residue has been reported as a VUS (ClinVar). (I) 0807 - This variant has no previous evidence of pathogenicity. (I) 0905 - No published segregation evidence has been identified for this variant. (I) 1007 - No published functional evidence has been identified for this variant. (I) 1208 - Inheritance information for this variant is not currently available in this individual. (I) Legend: (SP) - Supporting pathogenic, (I) - Information, (SB) - Supporting benign

GeneDx
Classification: Uncertain significance. Last evaluated: 2020-09-04. Review status: criteria provided, single submitter. Criteria: GeneDx Variant Classification Process June 2021. Collection method: clinical testing. Allele origin: germline. Affected: yes.
Comment: In silico analysis, which includes protein predictors and evolutionary conservation, supports a deleterious effect; Has not been previously published as pathogenic or benign to our knowledge

Natera, Inc.
Classification: Uncertain significance for Usher syndrome type 1B. Last evaluated: 2020-04-16. Review status: no assertion criteria provided. Collection method: clinical testing. Allele origin: germline. Not counted in ClinVar's aggregate classification.